The following is an entry in ClinVar:

NM_022835.3(PLEKHG2):c.1516G>A (p.Glu506Lys)

Gene: PLEKHG2 (pleckstrin homology and RhoGEF domain containing G2; plus strand). Cytogenetic location: 19q13.2.
Variant type: single nucleotide variant.
Coding change: c.1516G>A on transcript NM_022835.3 (MANE Select); coding-DNA position 1516, G replaced by A.
Protein change: p.Glu506Lys; replaces glutamic acid 506 with lysine.
Molecular consequence: missense variant.
Genome position (GRCh38, 1-based): chr19:39,422,127, G>A. VCF-style: chr19-39422127-G-A. GRCh37 (hg19) VCF-style: chr19-39912767-G-A.
Other names: c.1339G>A, p.Glu447Lys (NM_001351693.2); c.1516G>A, p.Glu506Lys (NM_001351694.2); c.1516G>A (NM_022835.2); short protein forms E506K, E447K.
Identifiers: ClinVar variation 2077720 (VCV002077720.5), dbSNP rs772207185, ClinGen allele CA9429586.
Genomic context (GRCh38, chr19:39,422,127, plus strand): 5'-GAGGGAGGAGTCTTGGCTCTTGCCTTCCATTGCTTTCCCTCCTCACAGCACGCTGGCAGC[G>A]AAGGGGAACTCTACCCTCCAGAATCTCAGCCACCAGTTTCAGGCTCTGCACCCCCTGAGG-3'
Protein context (NP_073746.2, residues 496-516): AKPGFKHAGS[Glu506Lys]GELYPPESQP

ClinVar aggregate classification (germline): Uncertain significance. Review status: criteria provided, multiple submitters, no conflicts (2 of 4 stars). 2 submissions from 2 submitters: Uncertain significance (2). Last evaluated 2026-01-19.

Allele frequency attached by ClinVar (database versions not stated): gnomAD exomes 0.00001; ExAC 0.00002; gnomAD 0.00005; TOPMed 0.00005.

Submissions (2):

Labcorp Genetics (formerly Invitae), Labcorp
Classification: Uncertain significance. Last evaluated: 2026-01-19. Review status: criteria provided, single submitter. Criteria: Invitae Variant Classification Sherloc (09022015). Collection method: clinical testing. Allele origin: germline.
Comment: This sequence change replaces glutamic acid, which is acidic and polar, with lysine, which is basic and polar, at codon 506 of the PLEKHG2 protein (p.Glu506Lys). This variant is present in population databases (rs772207185, gnomAD 0.006%). This variant has not been reported in the literature in individuals affected with PLEKHG2-related conditions. ClinVar contains an entry for this variant (Variation ID: 2077720). An algorithm developed to predict the effect of missense changes on protein structure and function (PolyPhen-2) suggests that this variant is likely to be disruptive. In summary, the available evidence is currently insufficient to determine the role of this variant in disease. Therefore, it has been classified as a Variant of Uncertain Significance.

Ambry Genetics
Classification: Uncertain significance. Last evaluated: 2025-06-24. Review status: criteria provided, single submitter. Criteria: Ambry Variant Classification Scheme 2023. Collection method: clinical testing. Allele origin: germline.